The following is an entry in ClinVar:

ClinVar aggregate classification (germline): Uncertain significance (1 of 4 stars; one submission).

Submission:

Labcorp Genetics (formerly Invitae), Labcorp
Classification: Uncertain significance. Last evaluated: 2023-02-16. Review status: criteria provided, single submitter. Criteria: Invitae Variant Classification Sherloc (09022015). Collection method: clinical testing. Allele origin: germline.
Comment: This sequence change affects codon 510 of the IKZF1 mRNA. It is a 'silent' change, meaning that it does not change the encoded amino acid sequence of the IKZF1 protein. This variant is not present in population databases (gnomAD no frequency). This variant has not been reported in the literature in individuals affected with IKZF1-related conditions. Experimental studies and prediction algorithms are not available or were not evaluated, and the effect of this variant on mRNA splicing is currently unknown. In summary, the available evidence is currently insufficient to determine the role of this variant in disease. Therefore, it has been classified as a Variant of Uncertain Significance.

NM_006060.6(IKZF1):c.1530G>C (p.Thr510=)

Gene: IKZF1 (IKAROS family zinc finger 1; plus strand). Cytogenetic location: 7p12.2.
Variant type: single nucleotide variant.
Coding change: c.1530G>C on transcript NM_006060.6 (MANE Select); coding-DNA position 1530, G replaced by C.
Protein change: p.Thr510=; no amino-acid change (threonine 510 retained).
Molecular consequence: synonymous variant.
Genome position (GRCh38, 1-based): chr7:50,400,597, G>C. VCF-style: chr7-50400597-G-C. GRCh37 (hg19) VCF-style: chr7-50468295-G-C.
Other names: c.1404G>C, p.Thr468= (NM_001220765.3, NM_001291837.2); c.1239G>C, p.Thr413= (NM_001220767.2); c.1269G>C, p.Thr423= (NM_001220768.2, NM_001291838.2); c.1113G>C, p.Thr371= (NM_001220770.2); c.1101G>C, p.Thr367= (NM_001220771.2, NM_001291841.1); c.1143G>C, p.Thr381= (NM_001291839.2); c.840G>C, p.Thr280= (NM_001291840.1); c.1071G>C, p.Thr357= (NM_001291842.1); and 3 more.
Identifiers: ClinVar variation 2838020 (VCV002838020.3), dbSNP rs1817919077, ClinGen allele CA454931365.
Genomic context (GRCh38, chr7:50,400,597, plus strand): 5'-TGAGTGCAACATGTGCGGCTACCACAGCCAGGACCGGTACGAGTTCTCGTCGCACATAAC[G>C]CGAGGGGAGCACCGCTTCCACATGAGCTAAAGCCCTCCCGCGCCCCCACCCCAGACCCCG-3'
Protein context (NP_006051.1, residues 500-519): QDRYEFSSHI[Thr510=]RGEHRFHMS